The following is an entry in ClinVar:

ClinVar aggregate classification (germline): Conflicting classifications of pathogenicity. Review status: criteria provided, conflicting classifications (1 of 4 stars). 2 submissions from 2 submitters: Uncertain significance (1); Likely benign (1). Last evaluated 2024-12-18.

Conditions:
Familial sleep-related hypermotor epilepsy. Also called: Autosomal Dominant Sleep-Related Hypermotor (Hyperkinetic) Epilepsy. Identifiers: Orphanet 98784, MedGen C3696898, MONDO:0000030.

Allele frequency attached by ClinVar (database versions not stated): gnomAD exomes 0.00001.
gnomAD v4.1: 11 of 1,535,224 alleles (0.00072%); highest among the groups gnomAD compares: Non-Finnish European, 0.00087%; no homozygotes.

Submissions (2):

GeneDx
Classification: Uncertain significance. Last evaluated: 2024-12-18. Review status: criteria provided, single submitter. Criteria: GeneDx Variant Classification Process June 2021. Collection method: clinical testing. Allele origin: germline. Affected: yes.
Comment: Not observed at significant frequency in large population cohorts (gnomAD); In silico analysis indicates that this missense variant does not alter protein structure/function; Has not been previously published as pathogenic or benign to our knowledge

Labcorp Genetics (formerly Invitae), Labcorp
Classification: Likely benign. Last evaluated: 2018-02-19. Review status: criteria provided, single submitter. Criteria: Invitae Variant Classification Sherloc (09022015). Collection method: clinical testing. Allele origin: germline.

NM_000748.3(CHRNB2):c.1180G>A (p.Ala394Thr)

Gene: CHRNB2 (cholinergic receptor nicotinic beta 2 subunit; plus strand). Cytogenetic location: 1q21.3.
Variant type: single nucleotide variant.
Coding change: c.1180G>A on transcript NM_000748.3 (MANE Select); coding-DNA position 1180, G replaced by A.
Protein change: p.Ala394Thr; replaces alanine 394 with threonine.
Molecular consequence: missense variant.
Genome position (GRCh38, 1-based): chr1:154,572,003, G>A. VCF-style: chr1-154572003-G-A. GRCh37 (hg19) VCF-style: chr1-154544479-G-A.
Other names: short protein forms A394T.
Identifiers: ClinVar variation 566709 (VCV000566709.11), dbSNP rs1557852162, ClinGen allele CA342631644.